The following is an entry in ClinVar:

ClinVar aggregate classification (germline): Uncertain significance (1 of 4 stars; one submission).

Allele frequency attached by ClinVar (database versions not stated): TOPMed below 0.00001.
gnomAD v4.1: 2 of 1,613,418 alleles (0.00012%); highest among the groups gnomAD compares: Non-Finnish European, 0.00017%; no homozygotes.

Submission:

CeGaT Center for Human Genetics Tuebingen
Classification: Uncertain significance. Last evaluated: 2022-06-01. Review status: criteria provided, single submitter. Criteria: CeGaT Center For Human Genetics Tuebingen Variant Classification Criteria Version 2. Collection method: clinical testing. Allele origin: germline. Affected: yes. Observed: 1 variant allele.
Comment: ANKRD11: PM2, BP4

NM_013275.6(ANKRD11):c.5206G>T (p.Val1736Leu)

Gene: ANKRD11 (ankyrin repeat domain 11; minus strand). Cytogenetic location: 16q24.3.
Variant type: single nucleotide variant.
Coding change: c.5206G>T on transcript NM_013275.6 (MANE Select); coding-DNA position 5206, G replaced by T.
Protein change: p.Val1736Leu; replaces valine 1736 with leucine.
Molecular consequence: missense variant.
Genome position (GRCh38, 1-based): chr16:89,281,336, C>A on the plus strand (G>T on the coding strand, the complement: ANKRD11 is on the minus strand). VCF-style: chr16-89281336-C-A. GRCh37 (hg19) VCF-style: chr16-89347744-C-A.
Other names: c.5206G>T, p.Val1736Leu (NM_001256182.2, NM_001256183.2); short protein forms V1736L.
Identifiers: ClinVar variation 2647071 (VCV002647071.24), dbSNP rs1225770004, ClinGen allele CA397155188.
Genomic context (GRCh38, chr16:89,281,336, plus strand): 5'-AGGCGCTGGTGGGAGCGGTGGGCACGGGCGTGGAGTGCTGCGAGTCGGCGCAGTCGAACA[C>A]GAGGTCCGCGTAGTCATCGGCGCTGCAGGACGGGGTCCTGGGCGTGTGCATCACCTCCTC-3'
Protein context (NP_037407.4, residues 1726-1746): SCSADDYADL[Val1736Leu]FDCADSQHST